The following is an entry in ClinVar:

NM_014208.3(DSPP):c.3651T>C (p.Ser1217=)

Genes: DMP1-AS1 (DMP1 and DSPP antisense RNA 1; minus strand), DSPP (dentin sialophosphoprotein; plus strand). Cytogenetic location: 4q22.1.
Variant type: single nucleotide variant.
Coding change: c.3651T>C on transcript NM_014208.3 (MANE Select); coding-DNA position 3651, T replaced by C.
Protein change: p.Ser1217=; no amino-acid change (serine 1217 retained).
Molecular consequence: synonymous variant.
Genome position (GRCh38, 1-based): chr4:87,616,313, T>C. VCF-style: chr4-87616313-T-C. GRCh37 (hg19) VCF-style: chr4-88537465-T-C.
Identifiers: ClinVar variation 4533443 (VCV004533443.7).

ClinVar aggregate classification (germline): Likely benign. Review status: criteria provided, multiple submitters, no conflicts (2 of 4 stars). 2 submissions from 2 submitters: Likely benign (2). Last evaluated 2025-11-01.

Submissions (2):

CeGaT Center for Human Genetics Tuebingen
Classification: Likely benign. Last evaluated: 2025-11-01. Review status: criteria provided, single submitter. Criteria: CeGaT Center For Human Genetics Tuebingen Variant Classification Criteria Version 2. Collection method: clinical testing. Allele origin: germline. Affected: yes. Observed: 1 variant allele.
Comment: DSPP: BP4, BP7

Blueprint Genetics
Classification: Likely benign. Last evaluated: 2022-08-25. Review status: criteria provided, single submitter. Criteria: ACMG Guidelines, 2015. Collection method: clinical testing. Allele origin: germline.